The following is an entry in ClinVar:

ClinVar aggregate classification (germline): Uncertain significance. Review status: criteria provided, multiple submitters, no conflicts (2 of 4 stars). 3 submissions from 3 submitters: Uncertain significance (3). Last evaluated 2025-12-16.

Conditions:
Long QT syndrome (LQTS). Identifiers: MedGen C0023976, MeSH D008133, MONDO:0002442. Disease mechanism: loss of function. Inheritance: Various modes of inheritance.
Cardiovascular phenotype. Identifiers: MedGen CN230736.
Long QT syndrome 11 (LQT11). Identifiers: Orphanet 101016, Orphanet 768, MedGen C2678483, MONDO:0012738, OMIM 611820.

Allele frequency attached by ClinVar (database versions not stated): TOPMed below 0.00001; ExAC 0.00001; gnomAD 0.00001; gnomAD exomes 0.00001.
gnomAD v4.1: 5 of 1,613,984 alleles (0.00031%); highest among the groups gnomAD compares: South Asian, 0.0044%; no homozygotes.

Submissions (3):

Ambry Genetics
Classification: Uncertain significance for Cardiovascular phenotype. Last evaluated: 2025-12-16. Review status: criteria provided, single submitter. Criteria: Ambry Variant Classification Scheme 2023. Collection method: clinical testing. Allele origin: germline.

Labcorp Genetics (formerly Invitae), Labcorp
Classification: Uncertain significance for Long QT syndrome. Last evaluated: 2025-06-12. Review status: criteria provided, single submitter. Criteria: Invitae Variant Classification Sherloc (09022015). Collection method: clinical testing. Allele origin: germline.
Comment: This sequence change replaces threonine, which is neutral and polar, with asparagine, which is neutral and polar, at codon 3399 of the AKAP9 protein (p.Thr3399Asn). This variant is present in population databases (rs758623712, gnomAD 0.01%). This variant has not been reported in the literature in individuals affected with AKAP9-related conditions. ClinVar contains an entry for this variant (Variation ID: 1438185). An algorithm developed to predict the effect of missense changes on protein structure and function (PolyPhen-2) suggests that this variant is likely to be disruptive. In summary, the available evidence is currently insufficient to determine the role of this variant in disease. Therefore, it has been classified as a Variant of Uncertain Significance.

Revvity Omics, Revvity
Classification: Uncertain significance for Long QT syndrome 11. Last evaluated: 2020-03-06. Review status: criteria provided, single submitter. Criteria: ACMG Guidelines, 2015. Collection method: clinical testing. Allele origin: germline.

NM_005751.5(AKAP9):c.10196C>A (p.Thr3399Asn)

Gene: AKAP9 (A-kinase anchoring protein 9; plus strand). Cytogenetic location: 7q21.2.
Variant type: single nucleotide variant.
Coding change: c.10196C>A on transcript NM_005751.5 (MANE Select); coding-DNA position 10196, C replaced by A.
Protein change: p.Thr3399Asn; replaces threonine 3399 with asparagine.
Molecular consequence: missense variant.
Genome position (GRCh38, 1-based): chr7:92,097,155, C>A. VCF-style: chr7-92097155-C-A. GRCh37 (hg19) VCF-style: chr7-91726469-C-A.
Other names: c.4841C>A, p.Thr1614Asn (NM_001379277.1); c.10172C>A, p.Thr3391Asn (NM_147185.3); c.10196C>A (NM_005751.4); short protein forms T3399N, T1614N, T3391N.
Identifiers: ClinVar variation 1438185 (VCV001438185.12), dbSNP rs758623712, ClinGen allele CA4337904.